The following is an entry in ClinVar:

NM_000059.4(BRCA2):c.7174A>G (p.Lys2392Glu)

Gene: BRCA2 (BRCA2 DNA repair associated; plus strand). Cytogenetic location: 13q13.1.
Variant type: single nucleotide variant.
Coding change: c.7174A>G on transcript NM_000059.4 (MANE Select); coding-DNA position 7174, A replaced by G.
Protein change: p.Lys2392Glu; replaces lysine 2392 with glutamic acid.
Molecular consequence: missense variant.
Genome position (GRCh38, 1-based): chr13:32,355,027, A>G. VCF-style: chr13-32355027-A-G. GRCh37 (hg19) VCF-style: chr13-32929164-A-G.
Other names: short protein forms K2392E.
Identifiers: ClinVar variation 856706 (VCV000856706.13), dbSNP rs745768526, ClinGen allele CA6941066.
Genomic context (GRCh38, chr13:32,355,027, plus strand): 5'-TCAAGCAATTTAGCAGTTTCAGGACATCCATTTTATCAAGTTTCTGCTACAAGAAATGAA[A>G]AAATGAGACACTTGATTACTACAGGCAGACCAACCAAAGTCTTTGTTCCACCTTTTAAAA-3'
Protein context (NP_000050.3, residues 2382-2402): FYQVSATRNE[Lys2392Glu]MRHLITTGRP

ClinVar aggregate classification (germline): Uncertain significance. Review status: criteria provided, multiple submitters, no conflicts (2 of 4 stars). 3 submissions from 3 submitters: Uncertain significance (3). Last evaluated 2025-11-27.

Conditions:
Hereditary breast ovarian cancer syndrome. Also called: Breast and ovarian cancer; BRCA1- and BRCA2-Associated Hereditary Breast and Ovarian Cancer; Hereditary breast and ovarian cancer; Hereditary breast and ovarian cancer syndrome (HBOC); Hereditary breast and/or ovarian cancer syndrome; Hereditary breast and ovarian cancer syndrome. Identifiers: Orphanet 145, MedGen C0677776, MeSH D061325, MONDO:0003582. Disease mechanism: loss of function.
Hereditary cancer-predisposing syndrome. Also called: Tumor predisposition; Hereditary neoplastic syndrome; Neoplastic Syndromes, Hereditary; Hereditary Cancer Syndrome. Identifiers: Orphanet 140162, MedGen C0027672, MeSH D009386, MONDO:0015356.

Allele frequency attached by ClinVar (database versions not stated): gnomAD exomes below 0.00001; ExAC 0.00001; gnomAD 0.00001; TOPMed 0.00001.
gnomAD v4.1: 2 of 1,613,942 alleles (0.00012%); highest among the groups gnomAD compares: African/African-American, 0.0027%; no homozygotes.

Submissions (3):

Labcorp Genetics (formerly Invitae), Labcorp
Classification: Uncertain significance for Hereditary breast ovarian cancer syndrome. Last evaluated: 2025-11-27. Review status: criteria provided, single submitter. Criteria: Invitae Variant Classification Sherloc (09022015). Collection method: clinical testing. Allele origin: germline.
Comment: This sequence change replaces lysine, which is basic and polar, with glutamic acid, which is acidic and polar, at codon 2392 of the BRCA2 protein (p.Lys2392Glu). This variant is present in population databases (rs745768526, gnomAD 0.007%). This variant has not been reported in the literature in individuals affected with BRCA2-related conditions. ClinVar contains an entry for this variant (Variation ID: 856706). Invitae Evidence Modeling of protein sequence and biophysical properties (such as structural, functional, and spatial information, amino acid conservation, physicochemical variation, residue mobility, and thermodynamic stability) indicates that this missense variant is not expected to disrupt BRCA2 protein function with a negative predictive value of 95%. In summary, the available evidence is currently insufficient to determine the role of this variant in disease. Therefore, it has been classified as a Variant of Uncertain Significance.

Ambry Genetics
Classification: Uncertain significance for Hereditary cancer-predisposing syndrome. Last evaluated: 2024-11-21. Review status: criteria provided, single submitter. Criteria: Ambry Variant Classification Scheme 2023. Collection method: clinical testing. Allele origin: germline.
Comment: The p.K2392E variant (also known as c.7174A>G), located in coding exon 13 of the BRCA2 gene, results from an A to G substitution at nucleotide position 7174. The lysine at codon 2392 is replaced by glutamic acid, an amino acid with similar properties. This amino acid position is not well conserved in available vertebrate species. In addition, this alteration is predicted to be tolerated by in silico analysis. Based on the available evidence, the clinical significance of this variant remains unclear.

Color Diagnostics, LLC DBA Color Health
Classification: Uncertain significance for Hereditary cancer-predisposing syndrome. Last evaluated: 2019-05-30. Review status: criteria provided, single submitter. Criteria: ACMG Guidelines, 2015. Collection method: clinical testing. Allele origin: germline.